The following is an entry in ClinVar:

ClinVar aggregate classification (germline): Uncertain significance (1 of 4 stars; one submission).

Conditions:
Periodic fever-infantile enterocolitis-autoinflammatory syndrome. Also called: Autoinflammation with infantile enterocolitis. Identifiers: Orphanet 436166, MedGen C4015067, MONDO:0014472, OMIM 616050.
Familial cold autoinflammatory syndrome 4 (FCAS4). Identifiers: Orphanet 47045, Orphanet 576349, MedGen C4015276, MONDO:0014498, OMIM 616115.

gnomAD v4.1: 2 of 1,614,228 alleles (0.00012%); highest among the groups gnomAD compares: Non-Finnish European, 0.000085%; no homozygotes.

Submission:

Labcorp Genetics (formerly Invitae), Labcorp
Classification: Uncertain significance for Periodic fever-infantile enterocolitis-autoinflammatory syndrome; Familial cold autoinflammatory syndrome 4. Last evaluated: 2023-02-11. Review status: criteria provided, single submitter. Criteria: Invitae Variant Classification Sherloc (09022015). Collection method: clinical testing. Allele origin: germline.
Comment: This variant is not present in population databases (gnomAD no frequency). In summary, the available evidence is currently insufficient to determine the role of this variant in disease. Therefore, it has been classified as a Variant of Uncertain Significance. Advanced modeling of protein sequence and biophysical properties (such as structural, functional, and spatial information, amino acid conservation, physicochemical variation, residue mobility, and thermodynamic stability) performed at Invitae indicates that this missense variant is not expected to disrupt NLRC4 protein function. ClinVar contains an entry for this variant (Variation ID: 1525063). This variant has not been reported in the literature in individuals affected with NLRC4-related conditions. This sequence change replaces cysteine, which is neutral and slightly polar, with glycine, which is neutral and non-polar, at codon 697 of the NLRC4 protein (p.Cys697Gly).

NM_001199138.2(NLRC4):c.2089T>G (p.Cys697Gly)

Gene: NLRC4 (NLR family CARD domain containing 4; minus strand). Cytogenetic location: 2p22.3.
Variant type: single nucleotide variant.
Coding change: c.2089T>G on transcript NM_001199138.2 (MANE Select); coding-DNA position 2089, T replaced by G.
Protein change: p.Cys697Gly; replaces cysteine 697 with glycine.
Molecular consequence: missense variant. On other transcripts: intron variant (1).
Genome position (GRCh38, 1-based): chr2:32,249,775, A>C on the plus strand (T>G on the coding strand, the complement: NLRC4 is on the minus strand). VCF-style: chr2-32249775-A-C. GRCh37 (hg19) VCF-style: chr2-32474844-A-C.
Other names: c.2089T>G, p.Cys697Gly (NM_001199139.2, NM_021209.5); c.262+2644T>G (NM_001302504.1); short protein forms C697G.
Identifiers: ClinVar variation 1525063 (VCV001525063.8), dbSNP rs1573491986, ClinGen allele CA346511023.